The following is an entry in ClinVar:

NM_004380.3(CREBBP):c.467A>T (p.Gln156Leu)

Gene: CREBBP (CREB binding lysine acetyltransferase; minus strand). Cytogenetic location: 16p13.3.
Variant type: single nucleotide variant.
Coding change: c.467A>T on transcript NM_004380.3 (MANE Select); coding-DNA position 467, A replaced by T.
Protein change: p.Gln156Leu; replaces glutamine 156 with leucine.
Molecular consequence: missense variant.
Genome position (GRCh38, 1-based): chr16:3,850,628, T>A on the plus strand (A>T on the coding strand, the complement: CREBBP is on the minus strand). VCF-style: chr16-3850628-T-A. GRCh37 (hg19) VCF-style: chr16-3900629-T-A.
Other names: c.467A>T, p.Gln156Leu (NM_001079846.1); short protein forms Q156L.
Identifiers: ClinVar variation 5002284 (VCV005002284.1).
Genomic context (GRCh38, chr16:3,850,628, plus strand): 5'-CAGATACCAGGTCCAGTCTGTGACGTGGCAGGGCTGCTAGTCGCCAGCCCCACTTGCTTT[T>A]GTGCTTGCGGATTCAGTGCTTGGGAGGCAGCGGGGGTGGGCCCAGAGGTGCTGGCTGCCT-3'
Protein context (NP_004371.2, residues 146-166): AASQALNPQA[Gln156Leu]KQVGLATSSP

ClinVar aggregate classification (germline): Uncertain significance (1 of 4 stars; one submission).

Conditions:
CREBBP-related disorder. Also called: CREBBP-related condition; CREBBP-related disorders.

Submission:

PreventionGenetics, part of Exact Sciences
Classification: Uncertain significance for CREBBP-related condition. Last evaluated: 2026-07-29. Review status: criteria provided, single submitter. Criteria: ACMG Guidelines, 2015. Collection method: clinical testing. Allele origin: germline.
Comment: The CREBBP c.467A>T variant is predicted to result in the amino acid substitution p.Gln156Leu. To our knowledge, this variant has not been reported in the literature. This variant is reported in 0.0029% of alleles in individuals of Latino descent in gnomAD. At this time, the clinical significance of this variant is uncertain due to the absence of conclusive functional and genetic evidence.